The following is an entry in ClinVar:

NM_032638.5(GATA2):c.31A>T (p.Met11Leu)

Gene: GATA2 (GATA binding protein 2; minus strand). Cytogenetic location: 3q21.3.
Variant type: single nucleotide variant.
Coding change: c.31A>T on transcript NM_032638.5 (MANE Select); coding-DNA position 31, A replaced by T.
Protein change: p.Met11Leu; replaces methionine 11 with leucine.
Molecular consequence: missense variant.
Genome position (GRCh38, 1-based): chr3:128,487,001, T>A on the plus strand (A>T on the coding strand, the complement: GATA2 is on the minus strand). VCF-style: chr3-128487001-T-A. GRCh37 (hg19) VCF-style: chr3-128205844-T-A.
Other names: c.31A>T, p.Met11Leu (NM_001145661.2, NM_001145662.1); short protein forms M11L.
Identifiers: ClinVar variation 3362128 (VCV003362128.2).

ClinVar aggregate classification (germline): Uncertain significance. Review status: criteria provided, multiple submitters, no conflicts (2 of 4 stars). 2 submissions from 2 submitters: Uncertain significance (2). Last evaluated 2025-08-25.

Conditions:
Inborn genetic diseases. Identifiers: MedGen C0950123, MeSH D030342.

Submissions (2):

Ambry Genetics
Classification: Uncertain significance for Inborn genetic diseases. Last evaluated: 2025-08-25. Review status: criteria provided, single submitter. Criteria: Ambry Variant Classification Scheme 2023. Collection method: clinical testing. Allele origin: germline.
Comment: The p.M11L variant (also known as c.31A>T), located in coding exon 1 of the GATA2 gene, results from an A to T substitution at nucleotide position 31. The methionine at codon 11 is replaced by leucine, an amino acid with highly similar properties. This amino acid position is conserved. In addition, the in silico prediction for this alteration is inconclusive. Based on the available evidence, the clinical significance of this variant remains unclear.

GeneDx
Classification: Uncertain significance. Last evaluated: 2023-05-30. Review status: criteria provided, single submitter. Criteria: GeneDx Variant Classification Process June 2021. Collection method: clinical testing. Allele origin: germline. Affected: yes.
Comment: Not observed at significant frequency in large population cohorts (gnomAD); In silico analysis supports that this missense variant does not alter protein structure/function; Has not been previously published as pathogenic or benign to our knowledge